The following is an entry in ClinVar:

ClinVar aggregate classification (germline): Uncertain significance. Review status: criteria provided, multiple submitters, no conflicts (2 of 4 stars). 3 submissions from 3 submitters: Uncertain significance (3). Last evaluated 2026-04-07.

Conditions:
Familial thoracic aortic aneurysm and aortic dissection (TAAD). Also called: Thoracic aortic aneurysms and dissections. Identifiers: Orphanet 91387, MedGen C4707243, MONDO:0019625.

gnomAD v4.1: 1 of 1,614,196 alleles (0.000062%); highest among the groups gnomAD compares: Non-Finnish European, 0.000085%; no homozygotes.

Submissions (3):

Ambry Genetics
Classification: Uncertain significance for Familial thoracic aortic aneurysm and aortic dissection. Last evaluated: 2026-04-07. Review status: criteria provided, single submitter. Criteria: Ambry Variant Classification Scheme 2023. Collection method: clinical testing. Allele origin: germline.
Comment: The p.E269* variant (also known as c.805G>T), located in coding exon 4 of the TGFBR2 gene, results from a G to T substitution at nucleotide position 805. This changes the amino acid from a glutamic acid to a stop codon within coding exon 4. This variant is expected to result in protein truncation or nonsense-mediated mRNA decay. However, loss of function has not been established as a mechanism of disease. Based on the available evidence, the clinical significance of this variant remains unclear.

GeneDx
Classification: Uncertain significance. Last evaluated: 2024-08-29. Review status: criteria provided, single submitter. Criteria: GeneDx Variant Classification Process June 2021. Collection method: clinical testing. Allele origin: germline. Affected: yes.
Comment: Has not been previously published as pathogenic or benign to our knowledge; Not observed at significant frequency in large population cohorts (gnomAD); Nonsense variant predicted to result in protein truncation or nonsense mediated decay in a gene or region of a gene for which loss of function is not a well-established mechanism of disease

Labcorp Genetics (formerly Invitae), Labcorp
Classification: Uncertain significance for Familial thoracic aortic aneurysm and aortic dissection. Last evaluated: 2021-01-15. Review status: criteria provided, single submitter. Criteria: Invitae Variant Classification Sherloc (09022015). Collection method: clinical testing. Allele origin: germline.
Comment: In summary, the available evidence is currently insufficient to determine the role of this variant in disease. Therefore, it has been classified as a Variant of Uncertain Significance. This variant has been observed in individual(s) with clinical features of TGFBR2-related conditions (Invitae). This variant is not present in population databases (ExAC no frequency). This sequence change creates a premature translational stop signal (p.Glu269*) in the TGFBR2 gene. It is expected to result in an absent or disrupted protein product. However, the current clinical and genetic evidence is not sufficient to establish whether loss-of-function variants in TGFBR2 cause disease.

NM_003242.6(TGFBR2):c.805G>T (p.Glu269Ter)

Gene: TGFBR2 (transforming growth factor beta receptor 2; plus strand). Cytogenetic location: 3p24.1.
Variant type: single nucleotide variant.
Coding change: c.805G>T on transcript NM_003242.6 (MANE Select); coding-DNA position 805, G replaced by T.
Protein change: p.Glu269Ter; replaces glutamic acid 269 with a stop codon.
Molecular consequence: nonsense.
Genome position (GRCh38, 1-based): chr3:30,671,988, G>T. VCF-style: chr3-30671988-G-T. GRCh37 (hg19) VCF-style: chr3-30713480-G-T.
Other names: c.700G>T, p.Glu234Ter (NM_001407134.1, NM_001407135.1, NM_001407136.1 and 2 more transcripts); c.520G>T, p.Glu174Ter (NM_001407137.1); c.445G>T, p.Glu149Ter (NM_001407138.1); c.880G>T, p.Glu294Ter (NM_001024847.3); c.988G>T, p.Glu330Ter (NM_001407126.1); c.913G>T, p.Glu305Ter (NM_001407127.1); c.832G>T, p.Glu278Ter (NM_001407128.1); c.808G>T, p.Glu270Ter (NM_001407129.1); and 1 more; short protein forms E269*, E294*, E149*, E174*, E278*, E305*, E330*, E234*.
Identifiers: ClinVar variation 1303459 (VCV001303459.12), dbSNP rs1699347759, ClinGen allele CA351807906.
Genomic context (GRCh38, chr3:30,671,988, plus strand): 5'-CTGGTGGGGAAAGGTCGCTTTGCTGAGGTCTATAAGGCCAAGCTGAAGCAGAACACTTCA[G>T]AGCAGTTTGAGACAGTGGCAGTCAAGATCTTTCCCTATGAGGAGTATGCCTCTTGGAAGA-3'